The following is an entry in ClinVar:

ClinVar aggregate classification (germline): Likely benign (0 of 4 stars; one submission).

Conditions:
PFN1-related disorder. Also called: PFN1-related condition.

Allele frequency attached by ClinVar (database versions not stated): ExAC 0.00009; gnomAD 0.00010; TOPMed 0.00012; gnomAD exomes 0.00018; ESP Exome Variant Server 0.00038.
gnomAD v4.1: 259 of 1,557,776 alleles (0.017%); highest among the groups gnomAD compares: Non-Finnish European, 0.022%; 1 homozygote.

Submission:

PreventionGenetics, part of Exact Sciences
Classification: Likely benign for PFN1-related condition. Last evaluated: 2023-01-27. Review status: no assertion criteria provided. Collection method: clinical testing. Allele origin: germline.
Comment: This variant is classified as likely benign based on ACMG/AMP sequence variant interpretation guidelines (Richards et al. 2015 PMID: 25741868, with internal and published modifications).

NM_005022.4(PFN1):c.*7C>G

Gene: PFN1 (profilin 1; minus strand). Cytogenetic location: 17p13.2.
Variant type: single nucleotide variant.
Coding change: c.*7C>G on transcript NM_005022.4 (MANE Select); 7 bases downstream of the stop codon, C replaced by G.
Molecular consequence: 3 prime UTR variant.
Genome position (GRCh38, 1-based): chr17:4,945,893, G>C on the plus strand (C>G on the coding strand, the complement: PFN1 is on the minus strand). VCF-style: chr17-4945893-G-C. GRCh37 (hg19) VCF-style: chr17-4849188-G-C.
Other names: c.*514C>G (NM_001375991.1).
Identifiers: ClinVar variation 3047768 (VCV003047768.2), dbSNP rs369839911, ClinGen allele CA8315886.
Genomic context (GRCh38, chr17:4,945,893, plus strand): 5'-GTGTGTGTATGGGGAGGAAAGGGGTGCAAAGCTGTGGGGAGCGGTGAAGGGGAAGGGACA[G>C]ACGAGGTCAGTACTGGGAACGCCGAAGGTGGGAGGCCATTTCATAACATTTCTTGTTGAT-3'